The following is an entry in ClinVar:

ClinVar aggregate classification (germline): Likely benign (1 of 4 stars; one submission).

Allele frequency attached by ClinVar (database versions not stated): ESP Exome Variant Server 0.00020; ExAC 0.00022; 1000 Genomes Project 0.00053.

Submission:

CeGaT Center for Human Genetics Tuebingen
Classification: Likely benign. Last evaluated: 2022-05-01. Review status: criteria provided, single submitter. Criteria: CeGaT Center For Human Genetics Tuebingen Variant Classification Criteria Version 2. Collection method: clinical testing. Allele origin: germline. Affected: yes. Observed: 1 variant allele.
Comment: OPN1MW2: BP4, BP7; OPN1MW3: BP4, BP7

NM_001048181.3(OPN1MW2):c.888C>T (p.Gly296=)

Genes: OPN1MW2 (opsin 1, medium wave sensitive 2; plus strand), OPN1MW3 (opsin 1, medium wave sensitive 3; plus strand). Cytogenetic location: Xq28.
Variant type: single nucleotide variant.
Coding change: c.888C>T on transcript NM_001048181.3 (MANE Select); coding-DNA position 888, C replaced by T.
Protein change: p.Gly296=; no amino-acid change (glycine 296 retained).
Molecular consequence: synonymous variant.
Genome position (GRCh38, 1-based): chrX:154,230,691, C>T. VCF-style: chrX-154230691-C-T. GRCh37 (hg19) VCF-style: chrX-153496160-C-T.
Identifiers: ClinVar variation 2661790 (VCV002661790.24), dbSNP rs61732892, ClinGen allele CA10559116.